The following is an entry in ClinVar:

ClinVar aggregate classification (germline): Uncertain significance. Review status: criteria provided, multiple submitters, no conflicts (2 of 4 stars). 2 submissions from 2 submitters: Uncertain significance (2). Last evaluated 2025-11-11.

Conditions:
Oligodontia-cancer predisposition syndrome. Also called: TOOTH AGENESIS-COLORECTAL CANCER SYNDROME. Identifiers: Orphanet 300576, MedGen C1837750, MONDO:0012075, OMIM 608615. Disease mechanism: loss of function.
Hereditary cancer-predisposing syndrome. Also called: Hereditary neoplastic syndrome; Neoplastic Syndromes, Hereditary; Tumor predisposition; Hereditary Cancer Syndrome. Identifiers: Orphanet 140162, MedGen C0027672, MeSH D009386, MONDO:0015356.

Allele frequency attached by ClinVar (database versions not stated): gnomAD exomes below 0.00001; ExAC 0.00001; ESP Exome Variant Server 0.00008.
gnomAD v4.1: 1 of 1,606,730 alleles (0.000062%); highest among the groups gnomAD compares: Non-Finnish European, 0.000085%; no homozygotes.

Submissions (2):

Ambry Genetics
Classification: Uncertain significance for Hereditary cancer-predisposing syndrome. Last evaluated: 2025-11-11. Review status: criteria provided, single submitter. Criteria: Ambry Variant Classification Scheme 2023. Collection method: clinical testing. Allele origin: germline.
Comment: The p.F291C variant (also known as c.872T>G), located in coding exon 2 of the AXIN2 gene, results from a T to G substitution at nucleotide position 872. The phenylalanine at codon 291 is replaced by cysteine, an amino acid with highly dissimilar properties. This amino acid position is well conserved in available vertebrate species. In addition, this alteration is predicted to be deleterious by in silico analysis. Since supporting evidence is limited at this time, the clinical significance of this alteration remains unclear.

Labcorp Genetics (formerly Invitae), Labcorp
Classification: Uncertain significance for Oligodontia-cancer predisposition syndrome. Last evaluated: 2025-11-05. Review status: criteria provided, single submitter. Criteria: Invitae Variant Classification Sherloc (09022015). Collection method: clinical testing. Allele origin: germline.
Comment: This sequence change replaces phenylalanine, which is neutral and non-polar, with cysteine, which is neutral and slightly polar, at codon 291 of the AXIN2 protein (p.Phe291Cys). This variant is present in population databases (rs376949421, gnomAD 0.001%). This variant has not been reported in the literature in individuals affected with AXIN2-related conditions. ClinVar contains an entry for this variant (Variation ID: 533163). Invitae Evidence Modeling of protein sequence and biophysical properties (such as structural, functional, and spatial information, amino acid conservation, physicochemical variation, residue mobility, and thermodynamic stability) indicates that this missense variant is expected to disrupt AXIN2 protein function with a positive predictive value of 80%. In summary, the available evidence is currently insufficient to determine the role of this variant in disease. Therefore, it has been classified as a Variant of Uncertain Significance.

NM_004655.4(AXIN2):c.872T>G (p.Phe291Cys)

Gene: AXIN2 (axin 2; minus strand). Cytogenetic location: 17q24.1.
Variant type: single nucleotide variant.
Coding change: c.872T>G on transcript NM_004655.4 (MANE Select); coding-DNA position 872, T replaced by G.
Protein change: p.Phe291Cys; replaces phenylalanine 291 with cysteine.
Molecular consequence: missense variant.
Genome position (GRCh38, 1-based): chr17:65,549,604, A>C on the plus strand (T>G on the coding strand, the complement: AXIN2 is on the minus strand). VCF-style: chr17-65549604-A-C. GRCh37 (hg19) VCF-style: chr17-63545722-A-C.
Other names: c.872T>G (LRG_296t1); c.872T>G, p.Phe291Cys (NM_001363813.1); short protein forms F291C.
Identifiers: ClinVar variation 533163 (VCV000533163.14), dbSNP rs376949421, ClinGen allele CA8718956.
Genomic context (GRCh38, chr17:65,549,604, plus strand): 5'-GAATCATCCGTCAGCGCATCACTGGATATCTCACTGTCGTTGGCGCTGGTGGCTGGTGCA[A>C]AGACATAGCCAGAACCTATGTGATAAGGATTAACAGGATCGCTCCTCTTGAAGGACCTAT-3'
Protein context (NP_004646.3, residues 281-301): NPYHIGSGYV[Phe291Cys]APATSANDSE